The following is an entry in ClinVar:

ClinVar aggregate classification (germline): Uncertain significance (1 of 4 stars; one submission).

Submission:

Labcorp Genetics (formerly Invitae), Labcorp
Classification: Uncertain significance. Last evaluated: 2023-01-16. Review status: criteria provided, single submitter. Criteria: Invitae Variant Classification Sherloc (09022015). Collection method: clinical testing. Allele origin: germline.
Comment: This sequence change replaces isoleucine, which is neutral and non-polar, with threonine, which is neutral and polar, at codon 261 of the CLCN7 protein (p.Ile261Thr). This variant is not present in population databases (gnomAD no frequency). In summary, the available evidence is currently insufficient to determine the role of this variant in disease. Therefore, it has been classified as a Variant of Uncertain Significance. Algorithms developed to predict the effect of missense changes on protein structure and function (SIFT, PolyPhen-2, Align-GVGD) all suggest that this variant is likely to be disruptive. This variant has not been reported in the literature in individuals affected with CLCN7-related conditions.

NM_001287.6(CLCN7):c.782T>C (p.Ile261Thr)

Gene: CLCN7 (chloride voltage-gated channel 7; minus strand). Cytogenetic location: 16p13.3.
Variant type: single nucleotide variant.
Coding change: c.782T>C on transcript NM_001287.6 (MANE Select); coding-DNA position 782, T replaced by C.
Protein change: p.Ile261Thr; replaces isoleucine 261 with threonine.
Molecular consequence: missense variant.
Genome position (GRCh38, 1-based): chr16:1,457,294, A>G on the plus strand (T>C on the coding strand, the complement: CLCN7 is on the minus strand). VCF-style: chr16-1457294-A-G. GRCh37 (hg19) VCF-style: chr16-1507295-A-G.
Other names: c.710T>C, p.Ile237Thr (NM_001114331.3); short protein forms I261T, I237T.
Identifiers: ClinVar variation 2829266 (VCV002829266.3), dbSNP rs2505835867, ClinGen allele CA394191059.